The following is an entry in ClinVar:

ClinVar aggregate classification (germline): Uncertain significance. Review status: criteria provided, multiple submitters, no conflicts (2 of 4 stars). 2 submissions from 2 submitters: Uncertain significance (2). Last evaluated 2026-01-26.

Allele frequency attached by ClinVar (database versions not stated): TOPMed 0.00002; gnomAD exomes 0.00003 and 0.00005; ExAC 0.00005.
gnomAD v4.1: 51 of 1,613,812 alleles (0.0032%); highest among the groups gnomAD compares: East Asian, 0.051%; no homozygotes.

Submissions (2):

Labcorp Genetics (formerly Invitae), Labcorp
Classification: Uncertain significance. Last evaluated: 2026-01-26. Review status: criteria provided, single submitter. Criteria: Invitae Variant Classification Sherloc (09022015). Collection method: clinical testing. Allele origin: germline.
Comment: This sequence change replaces arginine, which is basic and polar, with glutamine, which is neutral and polar, at codon 1001 of the A2ML1 protein (p.Arg1001Gln). This variant is present in population databases (rs768554605, gnomAD 0.03%). This variant has not been reported in the literature in individuals affected with A2ML1-related conditions. ClinVar contains an entry for this variant (Variation ID: 1008536). An algorithm developed to predict the effect of missense changes on protein structure and function outputs the following: PolyPhen-2: "Benign". The glutamine amino acid residue is found in multiple mammalian species, which suggests that this missense change does not adversely affect protein function. In summary, the available evidence is currently insufficient to determine the role of this variant in disease. Therefore, it has been classified as a Variant of Uncertain Significance.

Ambry Genetics
Classification: Uncertain significance. Last evaluated: 2025-06-10. Review status: criteria provided, single submitter. Criteria: Ambry Variant Classification Scheme 2023. Collection method: clinical testing. Allele origin: germline.
Comment: The p.R1001Q variant (also known as c.3002G>A), located in coding exon 24 of the A2ML1 gene, results from a G to A substitution at nucleotide position 3002. The arginine at codon 1001 is replaced by glutamine, an amino acid with highly similar properties. This amino acid position is conserved. In addition, this alteration is predicted to be tolerated by in silico analysis. Since supporting evidence is limited at this time, the clinical significance of this alteration remains unclear.

NM_144670.6(A2ML1):c.3002G>A (p.Arg1001Gln)

Gene: A2ML1 (alpha-2-macroglobulin like 1; plus strand). Cytogenetic location: 12p13.31.
Variant type: single nucleotide variant.
Coding change: c.3002G>A on transcript NM_144670.6 (MANE Select); coding-DNA position 3002, G replaced by A.
Protein change: p.Arg1001Gln; replaces arginine 1001 with glutamine.
Molecular consequence: missense variant.
Genome position (GRCh38, 1-based): chr12:8,857,317, G>A. VCF-style: chr12-8857317-G-A. GRCh37 (hg19) VCF-style: chr12-9009913-G-A.
Other names: c.1529G>A, p.Arg510Gln (NM_001282424.3); short protein forms R1001Q, R510Q.
Identifiers: ClinVar variation 1008536 (VCV001008536.11), dbSNP rs768554605, ClinGen allele CA6436217.